The following is an entry in ClinVar:

ClinVar aggregate classification (germline): Benign/Likely benign. Review status: criteria provided, multiple submitters, no conflicts (2 of 4 stars). 4 submissions from 4 submitters: Benign (1); Likely benign (2). 1 of the submissions does not count toward it. Last evaluated 2026-06-01.

Conditions:
RAI1-related disorder. Also called: RAI1-related condition.

Allele frequency attached by ClinVar (database versions not stated): gnomAD exomes below 0.00001 and 0.00001; ExAC 0.00001; gnomAD 0.00003 and 0.00004; TOPMed 0.00004; 1000 Genomes Project 0.00020; 1000 Genomes Project 30x 0.00031.
gnomAD v4.1: 8 of 1,613,814 alleles (0.0005%); highest among the groups gnomAD compares: African/African-American, 0.008%; no homozygotes.

Submissions (4):

CeGaT Center for Human Genetics Tuebingen
Classification: Likely benign. Last evaluated: 2026-06-01. Review status: criteria provided, single submitter. Criteria: CeGaT Center For Human Genetics Tuebingen Variant Classification Criteria Version 2. Collection method: clinical testing. Allele origin: germline. Affected: yes. Observed: 1 variant allele.
Comment: RAI1: BP4, BP7

Labcorp Genetics (formerly Invitae), Labcorp
Classification: Likely benign. Last evaluated: 2026-01-31. Review status: criteria provided, single submitter. Criteria: Invitae Variant Classification Sherloc (09022015). Collection method: clinical testing. Allele origin: germline.

Athena Diagnostics
Classification: Benign. Last evaluated: 2017-09-25. Review status: criteria provided, single submitter. Criteria: Athena Diagnostics Criteria. Collection method: clinical testing. Allele origin: germline.

PreventionGenetics, part of Exact Sciences
Classification: Likely benign for RAI1-related condition. Last evaluated: 2023-09-30. Review status: no assertion criteria provided. Collection method: clinical testing. Allele origin: germline. Not counted in ClinVar's aggregate classification.
Comment: This variant is classified as likely benign based on ACMG/AMP sequence variant interpretation guidelines (Richards et al. 2015 PMID: 25741868, with internal and published modifications).

NM_030665.4(RAI1):c.4251A>G (p.Lys1417=)

Gene: RAI1 (retinoic acid induced 1; plus strand). Cytogenetic location: 17p11.2.
Variant type: single nucleotide variant.
Coding change: c.4251A>G on transcript NM_030665.4 (MANE Select); coding-DNA position 4251, A replaced by G.
Protein change: p.Lys1417=; no amino-acid change (lysine 1417 retained).
Molecular consequence: synonymous variant.
Genome position (GRCh38, 1-based): chr17:17,797,199, A>G. VCF-style: chr17-17797199-A-G. GRCh37 (hg19) VCF-style: chr17-17700513-A-G.
Identifiers: ClinVar variation 586399 (VCV000586399.11), dbSNP rs556223883, ClinGen allele CA8418912.